The following is an entry in ClinVar:

ClinVar aggregate classification (germline): Likely benign (1 of 4 stars; one submission).

Allele frequency attached by ClinVar (database versions not stated): TOPMed 0.00002.
gnomAD v4.1: 5 of 516,268 alleles (0.00097%); highest among the groups gnomAD compares: Middle Eastern, 0.052%; no homozygotes.

Submission:

GeneDx
Classification: Likely benign. Last evaluated: 2016-05-05. Review status: criteria provided, single submitter. Criteria: GeneDx Variant Classification (06012015). Collection method: clinical testing. Allele origin: germline. Affected: yes.
Comment: This variant is considered likely benign or benign based on one or more of the following criteria: it is a conservative change, it occurs at a poorly conserved position in the protein, it is predicted to be benign by multiple in silico algorithms, and/or has population frequency not consistent with disease.

NM_007254.4(PNKP):c.-21G>A

Gene: PNKP (polynucleotide kinase 3'-phosphatase; minus strand). Cytogenetic location: 19q13.33.
Variant type: single nucleotide variant.
Coding change: c.-21G>A on transcript NM_007254.4 (MANE Select); 21 bases upstream of the start codon, G replaced by A.
Molecular consequence: 5 prime UTR variant.
Genome position (GRCh38, 1-based): chr19:49,867,476, C>T on the plus strand (G>A on the coding strand, the complement: PNKP is on the minus strand). VCF-style: chr19-49867476-C-T. GRCh37 (hg19) VCF-style: chr19-50370733-C-T.
Identifiers: ClinVar variation 378392 (VCV000378392.1), dbSNP rs893501652, ClinGen allele CA16608312.
Genomic context (GRCh38, chr19:49,867,476, plus strand): 5'-CCAGCGTACAGGCAGAGAGCCTCGCACATGCCTCCGCCCCGCCCCGTACTCACCCGGGAC[C>T]GCGGCTTGGGCTCACGGCCACTTCCGACCAGGGAGGTCCTGCCCGAGGTGCCCCGCCTGC-3'